The following is an entry in ClinVar:

NM_145239.3(PRRT2):c.280G>A (p.Glu94Lys)

Genes: MVP-DT (MVP divergent transcript; minus strand), PRRT2 (proline rich transmembrane protein 2; plus strand). Cytogenetic location: 16p11.2.
Variant type: single nucleotide variant.
Coding change: c.280G>A on transcript NM_145239.3 (MANE Select); coding-DNA position 280, G replaced by A.
Protein change: p.Glu94Lys; replaces glutamic acid 94 with lysine.
Molecular consequence: missense variant.
Genome position (GRCh38, 1-based): chr16:29,813,334, G>A. VCF-style: chr16-29813334-G-A. GRCh37 (hg19) VCF-style: chr16-29824655-G-A.
Other names: c.280G>A, p.Glu94Lys (NM_001256442.2, NM_001256443.2); short protein forms E94K.
Identifiers: ClinVar variation 1061616 (VCV001061616.9), dbSNP rs2142423546, ClinGen allele CA395477988.

ClinVar aggregate classification (germline): Uncertain significance (1 of 4 stars; one submission).

Conditions:
Episodic kinesigenic dyskinesia (EKD). Also called: Paroxysmal kinesigenic dyskinesia. Identifiers: Orphanet 98809, MedGen C1868682, MONDO:0044202.

Submission:

Labcorp Genetics (formerly Invitae), Labcorp
Classification: Uncertain significance for Episodic kinesigenic dyskinesia. Last evaluated: 2023-04-30. Review status: criteria provided, single submitter. Criteria: Invitae Variant Classification Sherloc (09022015). Collection method: clinical testing. Allele origin: germline.
Comment: This variant has not been reported in the literature in individuals affected with PRRT2-related conditions. This variant is not present in population databases (gnomAD no frequency). This sequence change replaces glutamic acid, which is acidic and polar, with lysine, which is basic and polar, at codon 94 of the PRRT2 protein (p.Glu94Lys). ClinVar contains an entry for this variant (Variation ID: 1061616). In summary, the available evidence is currently insufficient to determine the role of this variant in disease. Therefore, it has been classified as a Variant of Uncertain Significance. Advanced modeling of protein sequence and biophysical properties (such as structural, functional, and spatial information, amino acid conservation, physicochemical variation, residue mobility, and thermodynamic stability) performed at Invitae indicates that this missense variant is not expected to disrupt PRRT2 protein function.